The following is an entry in ClinVar:

ClinVar aggregate classification (germline): Uncertain significance (1 of 4 stars; one submission).

Conditions:
Ehlers-Danlos syndrome, dermatosparaxis type. Also called: EDS VIIC; Ehlers-Danlos syndrome, type VII, autosomal recessive; Dermatosparaxis. Identifiers: Orphanet 1901, MedGen C2700425, MONDO:0009161, OMIM 225410.

Submission:

Labcorp Genetics (formerly Invitae), Labcorp
Classification: Uncertain significance for Ehlers-Danlos syndrome, dermatosparaxis type. Last evaluated: 2021-07-02. Review status: criteria provided, single submitter. Criteria: Invitae Variant Classification Sherloc (09022015). Collection method: clinical testing. Allele origin: germline.
Comment: This variant has not been reported in the literature in individuals affected with ADAMTS2-related conditions. This sequence change replaces proline with leucine at codon 14 of the ADAMTS2 protein (p.Pro14Leu). The proline residue is moderately conserved and there is a moderate physicochemical difference between proline and leucine. The frequency data for this variant in the population databases is considered unreliable, as metrics indicate insufficient coverage at this position in the ExAC database. Algorithms developed to predict the effect of missense changes on protein structure and function output the following: SIFT: "Tolerated"; PolyPhen-2: "Not Available"; Align-GVGD: "Class C0". The leucine amino acid residue is found in multiple mammalian species, which suggests that this missense change does not adversely affect protein function. In summary, the available evidence is currently insufficient to determine the role of this variant in disease. Therefore, it has been classified as a Variant of Uncertain Significance.

NM_014244.5(ADAMTS2):c.41C>T (p.Pro14Leu)

Gene: ADAMTS2 (ADAM metallopeptidase with thrombospondin type 1 motif 2; minus strand). Cytogenetic location: 5q35.3.
Variant type: single nucleotide variant.
Coding change: c.41C>T on transcript NM_014244.5 (MANE Select); coding-DNA position 41, C replaced by T.
Protein change: p.Pro14Leu; replaces proline 14 with leucine.
Molecular consequence: missense variant.
Genome position (GRCh38, 1-based): chr5:179,345,288, G>A on the plus strand (C>T on the coding strand, the complement: ADAMTS2 is on the minus strand). VCF-style: chr5-179345288-G-A. GRCh37 (hg19) VCF-style: chr5-178772289-G-A.
Other names: c.41C>T, p.Pro14Leu (NM_021599.4); short protein forms P14L.
Identifiers: ClinVar variation 1365376 (VCV001365376.8), dbSNP rs2127463924, ClinGen allele CA362623983.